The following is an entry in ClinVar:

ClinVar aggregate classification (germline): Uncertain significance. Review status: criteria provided, multiple submitters, no conflicts (2 of 4 stars). 2 submissions from 2 submitters: Uncertain significance (2). Last evaluated 2023-01-26.

Conditions:
Early-infantile DEE. Also called: Early infantile epileptic encephalopathy with suppression bursts; Early infantile epileptic encephalopathy; Ohtahara syndrome. Identifiers: Orphanet 1934, MedGen C0393706, MONDO:0800491.

gnomAD v4.1: 1 of 1,613,932 alleles (0.000062%); highest among the groups gnomAD compares: East Asian, 0.0022%; no homozygotes.

Submissions (2):

GeneDx
Classification: Uncertain significance. Last evaluated: 2023-01-26. Review status: criteria provided, single submitter. Criteria: GeneDx Variant Classification Process June 2021. Collection method: clinical testing. Allele origin: germline. Affected: yes.
Comment: In silico analysis supports that this missense variant has a deleterious effect on protein structure/function; Missense variants in this gene are often considered pathogenic (HGMD); This substitution is predicted to be within the the intracellular loop between the S2 and S3 transmembrane segments of the second homologous domain; Has not been previously published as pathogenic or benign to our knowledge

Labcorp Genetics (formerly Invitae), Labcorp
Classification: Uncertain significance for Early-infantile DEE. Last evaluated: 2022-08-19. Review status: criteria provided, single submitter. Criteria: Invitae Variant Classification Sherloc (09022015). Collection method: clinical testing. Allele origin: germline.
Comment: In summary, the available evidence is currently insufficient to determine the role of this variant in disease. Therefore, it has been classified as a Variant of Uncertain Significance. Advanced modeling of protein sequence and biophysical properties (such as structural, functional, and spatial information, amino acid conservation, physicochemical variation, residue mobility, and thermodynamic stability) performed at Invitae indicates that this missense variant is expected to disrupt SCN1A protein function. This variant has not been reported in the literature in individuals affected with SCN1A-related conditions. This variant is present in population databases (no rsID available, gnomAD 0.006%). This sequence change replaces glutamine, which is neutral and polar, with arginine, which is basic and polar, at codon 829 of the SCN1A protein (p.Gln829Arg).

NM_001165963.4(SCN1A):c.2486A>G (p.Gln829Arg)

Gene: SCN1A (sodium voltage-gated channel alpha subunit 1; minus strand). Cytogenetic location: 2q24.3.
Variant type: single nucleotide variant.
Coding change: c.2486A>G on transcript NM_001165963.4 (MANE Select); coding-DNA position 2486, A replaced by G.
Protein change: p.Gln829Arg; replaces glutamine 829 with arginine.
Molecular consequence: missense variant. On other transcripts: non-coding transcript variant (1).
Genome position (GRCh38, 1-based): chr2:166,039,526, T>C on the plus strand (A>G on the coding strand, the complement: SCN1A is on the minus strand). VCF-style: chr2-166039526-T-C. GRCh37 (hg19) VCF-style: chr2-166896036-T-C.
Other names: c.2486A>G (NM_001165963.1); c.2402A>G, p.Gln801Arg (NM_001165964.3, NM_001353957.2, NM_001353958.2); c.2486A>G, p.Gln829Arg (NM_001202435.3, NM_001353948.2); c.2453A>G, p.Gln818Arg (NM_001353949.2, NM_001353950.2, NM_001353951.2 and 2 more transcripts); c.2450A>G, p.Gln817Arg (NM_001353954.2, NM_001353955.2); c.2399A>G, p.Gln800Arg (NM_001353960.2); c.44A>G, p.Gln15Arg (NM_001353961.2); short protein forms Q817R, Q801R, Q829R, Q15R, Q800R, Q818R.
Identifiers: ClinVar variation 1985295 (VCV001985295.7), dbSNP rs1299251889, ClinGen allele CA349062635.